The following is an entry in ClinVar:

NM_032043.3(BRIP1):c.1808T>A (p.Ile603Asn)

Gene: BRIP1 (BRCA1 interacting DNA helicase 1; minus strand). Cytogenetic location: 17q23.2.
Variant type: single nucleotide variant.
Coding change: c.1808T>A on transcript NM_032043.3 (MANE Select); coding-DNA position 1808, T replaced by A.
Protein change: p.Ile603Asn; replaces isoleucine 603 with asparagine.
Molecular consequence: missense variant.
Genome position (GRCh38, 1-based): chr17:61,780,388, A>T on the plus strand (T>A on the coding strand, the complement: BRIP1 is on the minus strand). VCF-style: chr17-61780388-A-T. GRCh37 (hg19) VCF-style: chr17-59857749-A-T.
Other names: short protein forms I603N.
Identifiers: ClinVar variation 485450 (VCV000485450.20), dbSNP rs1555602215, ClinGen allele CA400480206.

ClinVar aggregate classification (germline): Uncertain significance. Review status: criteria provided, multiple submitters, no conflicts (2 of 4 stars). 3 submissions from 3 submitters: Uncertain significance (3). Last evaluated 2025-04-03.

Conditions:
Hereditary cancer-predisposing syndrome. Also called: Hereditary neoplastic syndrome; Neoplastic Syndromes, Hereditary; Tumor predisposition; Hereditary Cancer Syndrome. Identifiers: Orphanet 140162, MedGen C0027672, MeSH D009386, MONDO:0015356.
Fanconi anemia complementation group J. Also called: BRIP1-Related Fanconi Anemia. Identifiers: Orphanet 84, MedGen C1836860, MONDO:0012187, OMIM 609054.
Familial cancer of breast. Also called: BREAST CANCER, FAMILIAL; Hereditary breast cancer; hereditary breast carcinoma. Identifiers: Orphanet 227535, MedGen C0346153, MONDO:0016419, OMIM 114480. Disease mechanism: loss of function.

Allele frequency attached by ClinVar (database versions not stated): TOPMed below 0.00001.

Submissions (3):

Labcorp Genetics (formerly Invitae), Labcorp
Classification: Uncertain significance for Familial cancer of breast; Fanconi anemia complementation group J. Last evaluated: 2025-04-03. Review status: criteria provided, single submitter. Criteria: Invitae Variant Classification Sherloc (09022015). Collection method: clinical testing. Allele origin: germline.
Comment: This sequence change replaces isoleucine, which is neutral and non-polar, with asparagine, which is neutral and polar, at codon 603 of the BRIP1 protein (p.Ile603Asn). This variant is not present in population databases (gnomAD no frequency). This variant has not been reported in the literature in individuals affected with BRIP1-related conditions. ClinVar contains an entry for this variant (Variation ID: 485450). Invitae Evidence Modeling of protein sequence and biophysical properties (such as structural, functional, and spatial information, amino acid conservation, physicochemical variation, residue mobility, and thermodynamic stability) has been performed for this missense variant. However, the output from this modeling did not meet the statistical confidence thresholds required to predict the impact of this variant on BRIP1 protein function. In summary, the available evidence is currently insufficient to determine the role of this variant in disease. Therefore, it has been classified as a Variant of Uncertain Significance.

Ambry Genetics
Classification: Uncertain significance for Hereditary cancer-predisposing syndrome. Last evaluated: 2025-01-06. Review status: criteria provided, single submitter. Criteria: Ambry Variant Classification Scheme 2023. Collection method: clinical testing. Allele origin: germline.
Comment: The p.I603N variant (also known as c.1808T>A), located in coding exon 12 of the BRIP1 gene, results from a T to A substitution at nucleotide position 1808. The isoleucine at codon 603 is replaced by asparagine, an amino acid with dissimilar properties. This amino acid position is not well conserved in available vertebrate species. In addition, this alteration is predicted to be tolerated by in silico analysis. Since supporting evidence is limited at this time, the clinical significance of this alteration remains unclear.

Color Diagnostics, LLC DBA Color Health
Classification: Uncertain significance for Hereditary cancer-predisposing syndrome. Last evaluated: 2023-03-06. Review status: criteria provided, single submitter. Criteria: ACMG Guidelines, 2015. Collection method: clinical testing. Allele origin: germline.
Comment: This missense variant replaces isoleucine with asparagine at codon 603 of the BRIP1 protein. Computational prediction suggests that this variant may not impact protein structure and function (internally defined REVEL score threshold <= 0.5, PMID: 27666373). To our knowledge, functional studies have not been reported for this variant. This variant has not been reported in individuals affected with BRIP1-related disorders in the literature. This variant has not been identified in the general population by the Genome Aggregation Database (gnomAD). The available evidence is insufficient to determine the role of this variant in disease conclusively. Therefore, this variant is classified as a Variant of Uncertain Significance.